The following is an entry in ClinVar:

ClinVar aggregate classification (germline): Uncertain significance. Review status: criteria provided, multiple submitters, no conflicts (2 of 4 stars). 3 submissions from 3 submitters: Uncertain significance (3). Last evaluated 2025-12-08.

Conditions:
Inborn genetic diseases. Identifiers: MedGen C0950123, MeSH D030342.
Charcot-Marie-Tooth disease axonal type 2O. Also called: Charcot-Marie-Tooth disease, axonal, type 20; CHARCOT-MARIE-TOOTH NEUROPATHY, AXONAL, TYPE 2O; CHARCOT-MARIE-TOOTH DISEASE, AXONAL, AUTOSOMAL DOMINANT, TYPE 2O; Charcot-Marie-Tooth Neuropathy Type 2O. Identifiers: Orphanet 284232, MedGen C3280220, MONDO:0013644, OMIM 614228.

Allele frequency attached by ClinVar (database versions not stated): gnomAD exomes 0.00001 and below 0.00001; ExAC 0.00001; ESP Exome Variant Server 0.00008; gnomAD 0.00003 and 0.00004; TOPMed 0.00003.
gnomAD v4.1: 20 of 1,614,008 alleles (0.0012%); highest among the groups gnomAD compares: Admixed American, 0.01%; no homozygotes.

Submissions (5):

Ambry Genetics
Classification: Uncertain significance for Inborn genetic diseases. Last evaluated: 2025-12-08. Review status: criteria provided, single submitter. Criteria: Ambry Variant Classification Scheme 2023. Collection method: clinical testing. Allele origin: germline.
Comment: The c.6857+5G>A intronic alteration consists of a G to A substitution nucleotides after coding exon 33 in the DYNC1H1 gene. Based on data from gnomAD, the A allele has an overall frequency of <0.001% (1/251230) total alleles studied. The highest observed frequency was 0.001% (1/113526) of European (non-Finnish) alleles. Based on insufficient or conflicting evidence, the clinical significance of this alteration remains unclear.

Labcorp Genetics (formerly Invitae), Labcorp
Classification: Uncertain significance for Charcot-Marie-Tooth disease axonal type 2O. Last evaluated: 2025-03-09. Review status: criteria provided, single submitter. Criteria: Invitae Variant Classification Sherloc (09022015). Collection method: clinical testing. Allele origin: germline.
Comment: This sequence change falls in intron 33 of the DYNC1H1 gene. It does not directly change the encoded amino acid sequence of the DYNC1H1 protein. It affects a nucleotide within the consensus splice site. This variant is present in population databases (rs371934648, gnomAD 0.0009%). This variant has not been reported in the literature in individuals affected with DYNC1H1-related conditions. ClinVar contains an entry for this variant (Variation ID: 1507491). Variants that disrupt the consensus splice site are a relatively common cause of aberrant splicing (PMID: 17576681, 9536098). Algorithms developed to predict the effect of sequence changes on RNA splicing suggest that this variant may disrupt the consensus splice site. In summary, the available evidence is currently insufficient to determine the role of this variant in disease. Therefore, it has been classified as a Variant of Uncertain Significance.

Breakthrough Genomics
Classification: Uncertain significance. Review status: criteria provided, single submitter. Criteria: ACMG Guidelines, 2015. Collection method: not provided. Allele origin: germline. Inheritance: Autosomal dominant inheritance. Affected: yes.

Dr. Peter K. Rogan Lab, Western University
No classification provided (evidence only). Condition: Squamous cell carcinoma of the head and neck. Review status: no classification provided. Collection method: in vitro. Allele origin: not applicable. Functional consequence: retained intron. Not counted in ClinVar's aggregate classification.

Dr. Peter K. Rogan Lab, Western University
No classification provided (evidence only). Condition: Malignant tumor of esophagus. Review status: no classification provided. Collection method: in vitro. Allele origin: not applicable. Functional consequence: retained intron. Not counted in ClinVar's aggregate classification.

Literature cited by the submitters: PubMed 17576681 (cited by Labcorp Genetics (formerly Invitae), Labcorp); PubMed 9536098 (cited by Labcorp Genetics (formerly Invitae), Labcorp).

NM_001376.5(DYNC1H1):c.6857+5G>A

Gene: DYNC1H1 (dynein cytoplasmic 1 heavy chain 1; plus strand). Cytogenetic location: 14q32.31.
Variant type: single nucleotide variant.
Coding change: c.6857+5G>A on transcript NM_001376.5 (MANE Select); 5 bases into the intron after coding-DNA position 6857, G replaced by A.
Molecular consequence: intron variant.
Genome position (GRCh38, 1-based): chr14:102,012,118, G>A. VCF-style: chr14-102012118-G-A. GRCh37 (hg19) VCF-style: chr14-102478455-G-A.
Identifiers: ClinVar variation 1507491 (VCV001507491.11), dbSNP rs371934648, ClinGen allele CA7352681.
Genomic context (GRCh38, chr14:102,012,118, plus strand): 5'-CTGGACCCCAACACCAGGGAATGGACAGATGGGCTCTTCACACACGTGCTGAGAAAGTAC[G>A]TCTTCTTTGATCTGTGTTTGTGTTCTCCTGGATATGGGCGCTAAGTACTTTGCTCTCACA-3'